The following is an entry in ClinVar:

NM_000274.4(OAT):c.997G>A (p.Ala333Thr)

Gene: OAT (ornithine aminotransferase; minus strand). Cytogenetic location: 10q26.13.
Variant type: single nucleotide variant.
Coding change: c.997G>A on transcript NM_000274.4 (MANE Select); coding-DNA position 997, G replaced by A.
Protein change: p.Ala333Thr; replaces alanine 333 with threonine.
Molecular consequence: missense variant.
Genome position (GRCh38, 1-based): chr10:124,401,743, C>T on the plus strand (G>A on the coding strand, the complement: OAT is on the minus strand). VCF-style: chr10-124401743-C-T. GRCh37 (hg19) VCF-style: chr10-126090312-C-T.
Other names: c.583G>A, p.Ala195Thr (NM_001171814.2); c.997G>A, p.Ala333Thr (NM_001322965.2, NM_001322966.2, NM_001322967.2 and 3 more transcripts); c.676G>A, p.Ala226Thr (NM_001322971.2); c.397G>A, p.Ala133Thr (NM_001322974.2); short protein forms A133T, A195T, A226T, A333T.
Identifiers: ClinVar variation 1008691 (VCV001008691.6), dbSNP rs1322699067, ClinGen allele CA378633903.

ClinVar aggregate classification (germline): Uncertain significance (1 of 4 stars; one submission).

Conditions:
Ornithine aminotransferase deficiency (GACR). Also called: Ornithine ketoacid aminotransferase deficiency; Gyrate atrophy; Gyrate atrophy of choroid and retina; Girate atrophy of the retina; HYPERORNITHINEMIA WITH GYRATE ATROPHY OF CHOROID AND RETINA; OAT DEFICIENCY. Identifiers: Orphanet 414, MedGen C0018425, MONDO:0009796, OMIM 258870.

Allele frequency attached by ClinVar (database versions not stated): TOPMed 0.00001; gnomAD 0.00001.
gnomAD v4.1: 1 of 1,611,618 alleles (0.000062%); highest among the groups gnomAD compares: Non-Finnish European, 0.000085%; no homozygotes.

Submission:

Labcorp Genetics (formerly Invitae), Labcorp
Classification: Uncertain significance for Ornithine aminotransferase deficiency. Last evaluated: 2021-08-31. Review status: criteria provided, single submitter. Criteria: Invitae Variant Classification Sherloc (09022015). Collection method: clinical testing. Allele origin: germline.
Comment: This sequence change replaces alanine with threonine at codon 333 of the OAT protein (p.Ala333Thr). The alanine residue is highly conserved and there is a small physicochemical difference between alanine and threonine. This variant is not present in population databases (ExAC no frequency). This variant has not been reported in the literature in individuals affected with OAT-related conditions. Algorithms developed to predict the effect of missense changes on protein structure and function are either unavailable or do not agree on the potential impact of this missense change (SIFT: "Deleterious"; PolyPhen-2: "Possibly Damaging"; Align-GVGD: "Class C0"). In summary, the available evidence is currently insufficient to determine the role of this variant in disease. Therefore, it has been classified as a Variant of Uncertain Significance.